The following is an entry in ClinVar:

ClinVar aggregate classification (germline): Conflicting classifications of pathogenicity. Review status: criteria provided, conflicting classifications (1 of 4 stars). 10 submissions from 10 submitters: Uncertain significance (1); Benign (3); Likely benign (5). 1 of the submissions does not count toward it. Last evaluated 2026-09-01.

Conditions:
Hereditary cancer-predisposing syndrome. Also called: Neoplastic Syndromes, Hereditary; Tumor predisposition; Hereditary Cancer Syndrome; Hereditary neoplastic syndrome. Identifiers: Orphanet 140162, MedGen C0027672, MeSH D009386, MONDO:0015356.
Holoprosencephaly 7 (HPE7). Identifiers: Orphanet 2162, MedGen C1835820, MONDO:0012562, OMIM 610828.
Basal cell carcinoma, susceptibility to, 1. Also called: BCC1. Identifiers: MedGen C2751544, MONDO:0011556, OMIM 605462.
Gorlin syndrome. Also called: Basal cell nevus syndrome; Nevoid Basal Cell Carcinoma Syndrome. Identifiers: Orphanet 377, MedGen C0004779, MONDO:0007187.
Basal cell nevus syndrome 1 (BCNS1). Also called: MULTIPLE BASAL CELL NEVI, ODONTOGENIC KERATOCYSTS, AND SKELETAL ANOMALIES; GORLIN-GOLTZ SYNDROME. Identifiers: MedGen CN376810, MONDO:0958174, OMIM 109400.
PTCH1-related disorder. Also called: PTCH1-related disorders; PTCH1-related condition.

Allele frequency attached by ClinVar (database versions not stated): gnomAD 0.00010 and 0.00011; TOPMed 0.00014; ESP Exome Variant Server 0.00023; 1000 Genomes Project 0.00060; 1000 Genomes Project 30x 0.00125.
gnomAD v4.1: 123 of 1,613,990 alleles (0.0076%); highest among the groups gnomAD compares: East Asian, 0.14%; no homozygotes.

Submissions (10):

CeGaT Center for Human Genetics Tuebingen
Classification: Likely benign. Last evaluated: 2026-09-01. Review status: criteria provided, single submitter. Criteria: CeGaT Center For Human Genetics Tuebingen Variant Classification Criteria Version 2. Collection method: clinical testing. Allele origin: germline. Affected: yes. Observed: 1 variant allele.
Comment: PTCH1: BP4, BP7, BS1

Women's Health and Genetics/Laboratory Corporation of America, LabCorp
Classification: Benign. Last evaluated: 2026-05-29. Review status: criteria provided, single submitter. Criteria: LabCorp Variant Classification Summary - May 2015. Collection method: clinical testing. Allele origin: germline.

Labcorp Genetics (formerly Invitae), Labcorp
Classification: Benign for Gorlin syndrome. Last evaluated: 2026-02-03. Review status: criteria provided, single submitter. Criteria: Invitae Variant Classification Sherloc (09022015). Collection method: clinical testing. Allele origin: germline.

Center for Genomic Medicine, Rigshospitalet, Copenhagen University Hospital
Classification: Likely benign. Last evaluated: 2025-03-04. Review status: criteria provided, single submitter. Criteria: ACMG Guidelines, 2015. Collection method: clinical testing. Allele origin: germline.

Blueprint Genetics
Classification: Likely benign. Last evaluated: 2024-11-19. Review status: criteria provided, single submitter. Criteria: ACMG Guidelines, 2015. Collection method: clinical testing. Allele origin: germline.

Department of Pathology and Laboratory Medicine, Sinai Health System
Classification: Uncertain significance for Basal cell nevus syndrome 1; Basal cell carcinoma, susceptibility to, 1; Holoprosencephaly 7. Last evaluated: 2024-08-06. Review status: criteria provided, single submitter. Criteria: ACMG Guidelines, 2015. Collection method: clinical testing. Allele origin: germline.

KCCC/NGS Laboratory, Kuwait Cancer Control Center
Classification: Benign for Basal cell nevus syndrome 1. Last evaluated: 2023-07-07. Review status: criteria provided, single submitter. Criteria: ACMG Guidelines, 2015. Collection method: clinical testing. Allele origin: germline. Affected: yes.

Fulgent Genetics
Classification: Likely benign for Basal cell nevus syndrome 1; Basal cell carcinoma, susceptibility to, 1; Holoprosencephaly 7. Last evaluated: 2022-05-31. Review status: criteria provided, single submitter. Criteria: ACMG Guidelines, 2015. Collection method: clinical testing. Allele origin: unknown.

Ambry Genetics
Classification: Likely benign for Hereditary cancer-predisposing syndrome. Last evaluated: 2016-12-21. Review status: criteria provided, single submitter. Criteria: Ambry Variant Classification Scheme 2023. Collection method: clinical testing. Allele origin: germline.

PreventionGenetics, part of Exact Sciences
Classification: Likely benign for PTCH1-related condition. Last evaluated: 2024-05-31. Review status: no assertion criteria provided. Collection method: clinical testing. Allele origin: germline. Not counted in ClinVar's aggregate classification.
Comment: This variant is classified as likely benign based on ACMG/AMP sequence variant interpretation guidelines (Richards et al. 2015 PMID: 25741868, with internal and published modifications).

NM_000264.5(PTCH1):c.1809C>T (p.Arg603=)

Genes: PTCH1 (patched 1; minus strand), LOC100507346 (uncharacterized LOC100507346; plus strand). Cytogenetic location: 9q22.32.
Variant type: single nucleotide variant.
Coding change: c.1809C>T on transcript NM_000264.5 (MANE Select); coding-DNA position 1809, C replaced by T.
Protein change: p.Arg603=; no amino-acid change (arginine 603 retained).
Molecular consequence: synonymous variant. On other transcripts: non-coding transcript variant (2).
Genome position (GRCh38, 1-based): chr9:95,469,851, G>A on the plus strand (C>T on the coding strand, the complement: PTCH1 is on the minus strand). VCF-style: chr9-95469851-G-A. GRCh37 (hg19) VCF-style: chr9-98232133-G-A.
Other names: c.1611C>T, p.Arg537= (NM_001083602.3); c.1806C>T, p.Arg602= (NM_001083603.3); c.1356C>T, p.Arg452= (NM_001083604.3, NM_001083605.3, NM_001083606.3 and 1 more transcripts); c.1653C>T, p.Arg551= (NM_001354918.2).
Identifiers: ClinVar variation 215456 (VCV000215456.24), dbSNP rs145690756, ClinGen allele CA338370.